The following is an entry in ClinVar:

ClinVar aggregate classification (germline): Likely pathogenic (1 of 4 stars; one submission).

Conditions:
Endocrine-cerebro-osteodysplasia syndrome. Identifiers: Orphanet 199332, MedGen C2675227, MONDO:0012980, OMIM 612651.

gnomAD v4.1: 1 of 613,112 alleles (0.00016%); no homozygotes.

Submission:

First Genomix Gene Laboratory, Genetic Diagnostics Department
Classification: Likely pathogenic for Endocrine-cerebro-osteodysplasia syndrome. Last evaluated: 2025-04-11. Review status: criteria provided, single submitter. Criteria: ACMG Guidelines, 2015. Collection method: clinical testing. Allele origin: germline. Inheritance: Autosomal recessive inheritance. Affected: no. Observed: 1 variant allele.

NM_014920.5(CILK1):c.-172-1G>A

Gene: CILK1 (ciliogenesis associated kinase 1; minus strand). Cytogenetic location: 6p12.1.
Variant type: single nucleotide variant.
Coding change: c.-172-1G>A on transcript NM_014920.5 (MANE Select); the canonical splice acceptor site of the intron before 172 bases upstream of the start codon, G replaced by A.
Molecular consequence: splice acceptor variant.
Genome position (GRCh38, 1-based): chr6:53,041,409, C>T on the plus strand (G>A on the coding strand, the complement: CILK1 is on the minus strand). VCF-style: chr6-53041409-C-T. GRCh37 (hg19) VCF-style: chr6-52906207-C-T.
Other names: c.-172-1G>A (NM_001375397.1, NM_001375400.1, NM_016513.5 and 4 more transcripts).
Identifiers: ClinVar variation 4526597 (VCV004526597.1).